The following is an entry in ClinVar:

ClinVar aggregate classification (germline): Uncertain significance. Review status: criteria provided, multiple submitters, no conflicts (2 of 4 stars). 4 submissions from 4 submitters: Uncertain significance (4). Last evaluated 2024-03-06.

Conditions:
Emery-Dreifuss muscular dystrophy 4, autosomal dominant (EDMD4). Also called: EMERY-DREIFUSS MUSCULAR DYSTROPHY 4 WITH VARIABLE FEATURES. Identifiers: Orphanet 261, MedGen C2751807, MONDO:0013071, OMIM 612998.
Autosomal recessive ataxia, Beauce type. Also called: SYNE1-Related Autosomal Recessive Cerebellar Ataxia; Spinocerebellar ataxia, autosomal recessive 8; ATAXIA, RECESSIVE, OF BEAUCE; SYNE1 Deficiency. Identifiers: Orphanet 88644, MedGen C1853116, MONDO:0012549, OMIM 610743.

Allele frequency attached by ClinVar (database versions not stated): gnomAD exomes below 0.00001; TOPMed 0.00001; gnomAD 0.00002; ESP Exome Variant Server 0.00008.
gnomAD v4.1: 11 of 1,613,726 alleles (0.00068%); highest among the groups gnomAD compares: African/African-American, 0.0027%; no homozygotes.

Submissions (4):

Mayo Clinic Laboratories, Mayo Clinic
Classification: Uncertain significance. Last evaluated: 2024-03-06. Review status: criteria provided, single submitter. Criteria: ACMG Guidelines, 2015. Collection method: clinical testing. Allele origin: germline. Observed: 1 variant allele.

Labcorp Genetics (formerly Invitae), Labcorp
Classification: Uncertain significance for Emery-Dreifuss muscular dystrophy 4, autosomal dominant; Autosomal recessive ataxia, Beauce type. Last evaluated: 2021-09-18. Review status: criteria provided, single submitter. Criteria: Invitae Variant Classification Sherloc (09022015). Collection method: clinical testing. Allele origin: germline.
Comment: In summary, the available evidence is currently insufficient to determine the role of this variant in disease. Therefore, it has been classified as a Variant of Uncertain Significance. Algorithms developed to predict the effect of missense changes on protein structure and function (SIFT, PolyPhen-2, Align-GVGD) all suggest that this variant is likely to be disruptive. ClinVar contains an entry for this variant (Variation ID: 497337). This variant has not been reported in the literature in individuals affected with SYNE1-related conditions. This variant is not present in population databases (ExAC no frequency). This sequence change replaces serine with proline at codon 5505 of the SYNE1 protein (p.Ser5505Pro). The serine residue is highly conserved and there is a moderate physicochemical difference between serine and proline.

GeneDx
Classification: Uncertain significance. Last evaluated: 2019-08-01. Review status: criteria provided, single submitter. Criteria: GeneDx Variant Classification Process June 2021. Collection method: clinical testing. Allele origin: germline. Affected: yes.
Comment: Not observed at a significant frequency in large population cohorts (Lek et al., 2016); In silico analysis, which includes protein predictors and evolutionary conservation, supports a deleterious effect; Has not been previously published as pathogenic or benign to our knowledge

Eurofins Ntd Llc (ga)
Classification: Uncertain significance. Last evaluated: 2016-11-28. Review status: criteria provided, single submitter. Criteria: EGL Classification Definitions 2015. Collection method: clinical testing. Allele origin: germline. Observed: 1 variant allele, 1 heterozygote.

NM_182961.4(SYNE1):c.16726T>C (p.Ser5576Pro)

Gene: SYNE1 (spectrin repeat containing nuclear envelope protein 1; minus strand). Cytogenetic location: 6q25.2.
Variant type: single nucleotide variant.
Coding change: c.16726T>C on transcript NM_182961.4 (MANE Select); coding-DNA position 16726, T replaced by C.
Protein change: p.Ser5576Pro; replaces serine 5576 with proline.
Molecular consequence: missense variant.
Genome position (GRCh38, 1-based): chr6:152,310,858, A>G on the plus strand (T>C on the coding strand, the complement: SYNE1 is on the minus strand). VCF-style: chr6-152310858-A-G. GRCh37 (hg19) VCF-style: chr6-152631993-A-G.
Other names: p.Ser5505Pro; c.16513T>C, p.Ser5505Pro (NM_033071.5); short protein forms S5505P, S5576P.
Identifiers: ClinVar variation 497337 (VCV000497337.13), dbSNP rs373436725, ClinGen allele CA150206513.
Genomic context (GRCh38, chr6:152,310,858, plus strand): 5'-CGCTAGTGAGGTACTGTAATTTCTCAGTCATTGCTTCCAGCTCACTGTCAATTTCTTTGG[A>G]TTCTTCTAGCAGGGTCTAGAGTGAATTGTCAATATTCATGACATTGACGGGCAGGTAGAG-3'
Protein context (NP_892006.3, residues 5566-5586): YILHQTLLEE[Ser5576Pro]KEIDSELEAM